The following is an entry in ClinVar:

ClinVar aggregate classification (germline): Uncertain significance. Review status: criteria provided, multiple submitters, no conflicts (2 of 4 stars). 6 submissions from 6 submitters: Uncertain significance (6). Last evaluated 2025-12-23.

Conditions:
Dilated cardiomyopathy 1G (CMD1G). Identifiers: Orphanet 154, MedGen C1858763, MONDO:0011400, OMIM 604145.
Autosomal recessive limb-girdle muscular dystrophy type 2J (LGMDR10). Also called: MUSCULAR DYSTROPHY, LIMB-GIRDLE, AUTOSOMAL RECESSIVE 10; Limb-girdle muscular dystrophy, type 2J. Identifiers: Orphanet 140922, MedGen C1837342, MONDO:0012127, OMIM 608807.
Myopathy, myofibrillar, 9, with early respiratory failure (MFM9). Also called: Myopathy, distal, with early respiratory failure, autosomal dominant; EDSTROM MYOPATHY; Hereditary myopathy with early respiratory failure; MYOPATHY, PROXIMAL, WITH EARLY RESPIRATORY MUSCLE INVOLVEMENT. Identifiers: Orphanet 178464, Orphanet 34521, MedGen C1863599, MONDO:0011362, OMIM 603689.
Early-onset myopathy with fatal cardiomyopathy (CMYO5). Also called: CONGENITAL MYOPATHY 5 WITH CARDIOMYOPATHY; Salih Myopathy. Identifiers: Orphanet 289377, MedGen C2673677, MONDO:0012714, OMIM 611705. Disease mechanism: loss of function.
Hypertrophic cardiomyopathy 9. Also called: Familial hypertrophic cardiomyopathy 9. Identifiers: MedGen C1861065, MONDO:0013412, OMIM 613765.
Tibial muscular dystrophy (TMD). Also called: Udd Distal Myopathy – Tibial Muscular Dystrophy; Tibial muscular dystrophy, tardive; UDD MYOPATHY. Identifiers: Orphanet 609, MedGen C1838244, MONDO:0010870, OMIM 600334.
TTN-related disorder. Also called: TTN-related condition; TTN-related disease; TTN-related disorders.

Allele frequency attached by ClinVar (database versions not stated): gnomAD exomes 0.00001; gnomAD 0.00005 and 0.00006; TOPMed 0.00006.
gnomAD v4.1: 15 of 1,613,730 alleles (0.00093%); highest among the groups gnomAD compares: African/African-American, 0.017%; no homozygotes.

Submissions (6):

Labcorp Genetics (formerly Invitae), Labcorp
Classification: Uncertain significance for Dilated cardiomyopathy 1G; Autosomal recessive limb-girdle muscular dystrophy type 2J. Last evaluated: 2025-12-23. Review status: criteria provided, single submitter. Criteria: Invitae Variant Classification Sherloc (09022015). Collection method: clinical testing. Allele origin: germline.
Comment: This sequence change replaces valine, which is neutral and non-polar, with glycine, which is neutral and non-polar, at codon 34854 of the TTN protein (p.Val34854Gly). This variant is present in population databases (rs768717312, gnomAD 0.01%). This variant has not been reported in the literature in individuals affected with TTN-related conditions. ClinVar contains an entry for this variant (Variation ID: 535525). Experimental studies and prediction algorithms are not available or were not evaluated, and the functional significance of this variant is currently unknown. This variant is located in the M band of TTN (PMID: 25589632). Non-truncating variants in this region may be relevant for neuromuscular disorders, but have not been definitively shown to cause cardiomyopathy (PMID: 23975875). In summary, the available evidence is currently insufficient to determine the role of this variant in disease. Therefore, it has been classified as a Variant of Uncertain Significance.

PreventionGenetics, part of Exact Sciences
Classification: Uncertain significance for TTN-related condition. Last evaluated: 2025-03-25. Review status: criteria provided, single submitter. Criteria: ACMG Guidelines, 2015. Collection method: clinical testing. Allele origin: germline.
Comment: The TTN c.104561T>G variant is predicted to result in the amino acid substitution p.Val34854Gly. To our knowledge, this variant has not been reported in the literature. This variant is reported in 0.013% of alleles in individuals of African descent in gnomAD. At this time, the clinical significance of this variant is uncertain due to the absence of conclusive functional and genetic evidence.

Fulgent Genetics
Classification: Uncertain significance for Tibial muscular dystrophy; Myopathy, myofibrillar, 9, with early respiratory failure; Dilated cardiomyopathy 1G; Autosomal recessive limb-girdle muscular dystrophy type 2J; Early-onset myopathy with fatal cardiomyopathy; Hypertrophic cardiomyopathy 9. Last evaluated: 2024-01-05. Review status: criteria provided, single submitter. Criteria: ACMG Guidelines, 2015. Collection method: clinical testing. Allele origin: germline.

Revvity Omics, Revvity
Classification: Uncertain significance. Last evaluated: 2019-11-14. Review status: criteria provided, single submitter. Criteria: ACMG Guidelines, 2015. Collection method: clinical testing. Allele origin: germline.

GeneDx
Classification: Uncertain significance. Last evaluated: 2019-08-05. Review status: criteria provided, single submitter. Criteria: GeneDx Variant Classification Process June 2021. Collection method: clinical testing. Allele origin: germline. Affected: yes.

Eurofins Ntd Llc (ga)
Classification: Uncertain significance. Last evaluated: 2017-09-15. Review status: criteria provided, single submitter. Criteria: EGL Classification Definitions 2015. Collection method: clinical testing. Allele origin: germline. Observed: 1 variant allele, 1 heterozygote.

Literature cited by the submitters: PubMed 25589632 (cited by Labcorp Genetics (formerly Invitae), Labcorp); PubMed 23975875 (cited by Labcorp Genetics (formerly Invitae), Labcorp).

NM_001267550.2(TTN):c.104561T>G (p.Val34854Gly)

Genes: TTN (titin; minus strand), TTN-AS1 (TTN antisense RNA 1; plus strand). Cytogenetic location: 2q31.2.
Variant type: single nucleotide variant.
Coding change: c.104561T>G on transcript NM_001267550.2 (MANE Select); coding-DNA position 104561, T replaced by G.
Protein change: p.Val34854Gly; replaces valine 34854 with glycine.
Molecular consequence: missense variant.
Genome position (GRCh38, 1-based): chr2:178,532,054, A>C on the plus strand (T>G on the coding strand, the complement: TTN is on the minus strand). VCF-style: chr2-178532054-A-C. GRCh37 (hg19) VCF-style: chr2-179396781-A-C.
Other names: c.99638T>G, p.Val33213Gly (NM_001256850.1); c.77366T>G, p.Val25789Gly (NM_003319.4); c.96857T>G, p.Val32286Gly (NM_133378.4); c.77741T>G, p.Val25914Gly (NM_133432.3); c.77942T>G, p.Val25981Gly (NM_133437.4); short protein forms V34854G, V32286G, V25914G, V25789G, V25981G, V33213G.
Identifiers: ClinVar variation 535525 (VCV000535525.16), dbSNP rs768717312, ClinGen allele CA1985403.
Genomic context (GRCh38, chr2:178,532,054, plus strand): 5'-CTTTCTGTGTCATCTTCGTATTCCTCAGCCGGTTGTGGACGTGACCGGATCAGCTCAGAC[A>C]CTGGCCTCATTAACTCAATATAAGTTGGAGACAGGGAGCGCCGTCGTCTCAGTAGTCTAG-3'
Protein context (NP_001254479.2, residues 34844-34864): SPTYIELMRP[Val34854Gly]SELIRSRPQP